The following is an entry in ClinVar:

NM_198578.4(LRRK2):c.1172A>C (p.Glu391Ala)

Gene: LRRK2 (leucine rich repeat kinase 2; plus strand). Cytogenetic location: 12q12.
Variant type: single nucleotide variant.
Coding change: c.1172A>C on transcript NM_198578.4 (MANE Select); coding-DNA position 1172, A replaced by C.
Protein change: p.Glu391Ala; replaces glutamic acid 391 with alanine.
Molecular consequence: missense variant.
Genome position (GRCh38, 1-based): chr12:40,251,535, A>C. VCF-style: chr12-40251535-A-C. GRCh37 (hg19) VCF-style: chr12-40645337-A-C.
Other names: short protein forms E391A.
Identifiers: ClinVar variation 1739845 (VCV001739845.2), dbSNP rs2499505813, ClinGen allele CA384408278.

ClinVar aggregate classification (germline): Uncertain significance (1 of 4 stars; one submission).

Conditions:
Inborn genetic diseases. Identifiers: MedGen C0950123, MeSH D030342.

Submission:

Ambry Genetics
Classification: Uncertain significance for Inborn genetic diseases. Last evaluated: 2022-10-05. Review status: criteria provided, single submitter. Criteria: Ambry Variant Classification Scheme 2023. Collection method: clinical testing. Allele origin: germline.
Comment: The p.E391A variant (also known as c.1172A>C), located in coding exon 10 of the LRRK2 gene, results from an A to C substitution at nucleotide position 1172. The glutamic acid at codon 391 is replaced by alanine, an amino acid with dissimilar properties. This amino acid position is conserved. In addition, the in silico prediction for this alteration is inconclusive. Since supporting evidence is limited at this time, the clinical significance of this alteration remains unclear.